The following is an entry in ClinVar:

ClinVar aggregate classification (germline): Uncertain significance (1 of 4 stars; one submission).

Conditions:
Neuronal ceroid lipofuscinosis 7 (CLN7). Also called: MFSD8-Related Neuronal Ceroid-Lipofuscinosis. Identifiers: Orphanet 168491, Orphanet 228366, MedGen C1838571, MONDO:0012588, OMIM 610951.

gnomAD v4.1: 5 of 1,614,224 alleles (0.00031%); highest among the groups gnomAD compares: Non-Finnish European, 0.00042%; no homozygotes.

Submission:

Labcorp Genetics (formerly Invitae), Labcorp
Classification: Uncertain significance for Neuronal ceroid lipofuscinosis 7. Last evaluated: 2019-09-18. Review status: criteria provided, single submitter. Criteria: Invitae Variant Classification Sherloc (09022015). Collection method: clinical testing. Allele origin: germline.
Comment: This sequence change replaces isoleucine with methionine at codon 80 of the MFSD8 protein (p.Ile80Met). The isoleucine residue is moderately conserved and there is a small physicochemical difference between isoleucine and methionine. This variant is not present in population databases (ExAC no frequency). This variant has not been reported in the literature in individuals with MFSD8-related conditions. Algorithms developed to predict the effect of missense changes on protein structure and function are either unavailable or do not agree on the potential impact of this missense change (SIFT: Deleterious; PolyPhen-2: Probably Damaging; Align-GVGD: Class C0). In summary, the available evidence is currently insufficient to determine the role of this variant in disease. Therefore, it has been classified as a Variant of Uncertain Significance.

NM_001371596.2(MFSD8):c.240T>G (p.Ile80Met)

Gene: MFSD8 (major facilitator superfamily domain containing 8; minus strand). Cytogenetic location: 4q28.2.
Variant type: single nucleotide variant.
Coding change: c.240T>G on transcript NM_001371596.2 (MANE Select); coding-DNA position 240, T replaced by G.
Protein change: p.Ile80Met; replaces isoleucine 80 with methionine.
Molecular consequence: missense variant.
Genome position (GRCh38, 1-based): chr4:127,943,951, A>C on the plus strand (T>G on the coding strand, the complement: MFSD8 is on the minus strand). VCF-style: chr4-127943951-A-C. GRCh37 (hg19) VCF-style: chr4-128865106-A-C.
Other names: c.240T>G, p.Ile80Met (NM_001363520.3, NM_001363521.3, NM_001371591.2 and 5 more transcripts); c.105T>G, p.Ile35Met (NM_001371590.2, NM_001371595.1, NM_001410765.1); short protein forms I35M, I80M.
Identifiers: ClinVar variation 958155 (VCV000958155.3), dbSNP rs1578912301, ClinGen allele CA358177068.